The following is an entry in ClinVar:

ClinVar aggregate classification (germline): Uncertain significance (1 of 4 stars; one submission).

Conditions:
Charcot-Marie-Tooth disease axonal type 2C (HMSN2C). Also called: CHARCOT-MARIE-TOOTH DISEASE, AXONAL, AUTOSOMAL DOMINANT, TYPE 2C; Charcot-Marie-Tooth Neuropathy Type 2C; Charcot-Marie-Tooth Disease Type 2, TRPV4-Related (CMT2C). Identifiers: Orphanet 99937, MedGen C1853710, MONDO:0011633, OMIM 606071.

Allele frequency attached by ClinVar (database versions not stated): TOPMed below 0.00001; gnomAD 0.00001.
gnomAD v4.1: 1 of 1,614,054 alleles (0.000062%); highest among the groups gnomAD compares: African/African-American, 0.0013%; no homozygotes.

Submission:

Labcorp Genetics (formerly Invitae), Labcorp
Classification: Uncertain significance for Charcot-Marie-Tooth disease axonal type 2C. Last evaluated: 2022-03-18. Review status: criteria provided, single submitter. Criteria: Invitae Variant Classification Sherloc (09022015). Collection method: clinical testing. Allele origin: germline.
Comment: This variant has not been reported in the literature in individuals affected with TRPV4-related conditions. This variant is not present in population databases (gnomAD no frequency). This sequence change replaces glycine, which is neutral and non-polar, with valine, which is neutral and non-polar, at codon 321 of the TRPV4 protein (p.Gly321Val). In summary, the available evidence is currently insufficient to determine the role of this variant in disease. Therefore, it has been classified as a Variant of Uncertain Significance. Advanced modeling of protein sequence and biophysical properties (such as structural, functional, and spatial information, amino acid conservation, physicochemical variation, residue mobility, and thermodynamic stability) performed at Invitae indicates that this missense variant is expected to disrupt TRPV4 protein function.

NM_021625.5(TRPV4):c.962G>T (p.Gly321Val)

Gene: TRPV4 (transient receptor potential cation channel subfamily V member 4; minus strand). Cytogenetic location: 12q24.11.
Variant type: single nucleotide variant.
Coding change: c.962G>T on transcript NM_021625.5 (MANE Select); coding-DNA position 962, G replaced by T.
Protein change: p.Gly321Val; replaces glycine 321 with valine.
Molecular consequence: missense variant.
Genome position (GRCh38, 1-based): chr12:109,798,804, C>A on the plus strand (G>T on the coding strand, the complement: TRPV4 is on the minus strand). VCF-style: chr12-109798804-C-A. GRCh37 (hg19) VCF-style: chr12-110236609-C-A.
Other names: c.821G>T, p.Gly274Val (NM_001177428.2, NM_001177433.2); c.860G>T, p.Gly287Val (NM_001177431.2); c.962G>T, p.Gly321Val (NM_147204.3); short protein forms G274V, G287V, G321V.
Identifiers: ClinVar variation 1899159 (VCV001899159.5), dbSNP rs1395620763, ClinGen allele CA386654780.